The following is an entry in ClinVar:

ClinVar aggregate classification (germline): Uncertain significance (1 of 4 stars; one submission).

Allele frequency attached by ClinVar (database versions not stated): gnomAD exomes below 0.00001; ExAC 0.00001; gnomAD 0.00001; TOPMed 0.00006.
gnomAD v4.1: 3 of 1,597,610 alleles (0.00019%); highest among the groups gnomAD compares: Admixed American, 0.0017%; no homozygotes.

Submissions (2):

Labcorp Genetics (formerly Invitae), Labcorp
Classification: Uncertain significance. Last evaluated: 2020-11-21. Review status: criteria provided, single submitter. Criteria: Invitae Variant Classification Sherloc (09022015). Collection method: clinical testing. Allele origin: germline.
Comment: This sequence change falls in intron 12 of the ORC4 gene. It does not directly change the encoded amino acid sequence of the ORC4 protein. It affects a nucleotide within the consensus splice site of the intron. This variant is present in population databases (rs746381356, ExAC 0.01%). This variant has not been reported in the literature in individuals with ORC4-related conditions. Nucleotide substitutions within the consensus splice site are a relatively common cause of aberrant splicing (PMID: 17576681, 9536098). Algorithms developed to predict the effect of sequence changes on RNA splicing suggest that this variant may disrupt the consensus splice site, but this prediction has not been confirmed by published transcriptional studies. In summary, the available evidence is currently insufficient to determine the role of this variant in disease. Therefore, it has been classified as a Variant of Uncertain Significance.

Dr. Peter K. Rogan Lab, Western University
No classification provided (evidence only). Condition: Uterine carcinosarcoma. Review status: no classification provided. Collection method: in vitro. Allele origin: not applicable. Functional consequence: skipped exon, retained intron. Not counted in ClinVar's aggregate classification.

Literature cited by the submitters: PubMed 17576681 (cited by Labcorp Genetics (formerly Invitae), Labcorp); PubMed 9536098 (cited by Labcorp Genetics (formerly Invitae), Labcorp).

NM_181741.4(ORC4):c.1054+5G>A

Gene: ORC4 (origin recognition complex subunit 4; minus strand). Cytogenetic location: 2q23.1.
Variant type: single nucleotide variant.
Coding change: c.1054+5G>A on transcript NM_181741.4 (MANE Select); 5 bases into the intron after coding-DNA position 1054, G replaced by A.
Molecular consequence: intron variant.
Genome position (GRCh38, 1-based): chr2:147,938,293, C>T on the plus strand (G>A on the coding strand, the complement: ORC4 is on the minus strand). VCF-style: chr2-147938293-C-T. GRCh37 (hg19) VCF-style: chr2-148695862-C-T.
Other names: c.1054+5G>A (NM_001190879.3, NM_002552.5, NM_001374270.1 and 1 more transcripts); c.802+5G>A (NM_001190881.3, NM_001374272.1); c.832+5G>A (NM_001190882.3).
Identifiers: ClinVar variation 1436606 (VCV001436606.4), dbSNP rs746381356, ClinGen allele CA1899405.